The following is an entry in ClinVar:

ClinVar aggregate classification (germline): Benign (1 of 4 stars; one submission).

Submission:

GeneDx
Classification: Benign. Last evaluated: 2011-07-06. Review status: criteria provided, single submitter. Criteria: GeneDx Variant Classification (06012015). Collection method: clinical testing. Allele origin: germline. Affected: yes.
Comment: This variant is considered likely benign or benign based on one or more of the following criteria: it is a conservative change, it occurs at a poorly conserved position in the protein, it is predicted to be benign by multiple in silico algorithms, and/or has population frequency not consistent with disease.

NM_001079866.2(BCS1L):c.-50+13A>G

Genes: BCS1L (BCS1 homolog, ubiquinol-cytochrome c reductase complex chaperone; plus strand), LOC129935609 (ATAC-STARR-seq lymphoblastoid active region 17127; plus strand). Cytogenetic location: 2q35.
Variant type: single nucleotide variant.
Coding change: c.-50+13A>G on transcript NM_001079866.2 (MANE Select); 13 bases into the intron after 50 bases upstream of the start codon, A replaced by G.
Molecular consequence: intron variant. On other transcripts: 5 prime UTR variant (9).
Genome position (GRCh38, 1-based): chr2:218,659,756, A>G. VCF-style: chr2-218659756-A-G. GRCh37 (hg19) VCF-style: chr2-219524479-A-G.
Other names: c.-94A>G (NM_001257344.2); c.-209A>G (NM_001320717.2); c.-1042A>G (NM_001371446.1); c.-220A>G (NM_001371448.1); c.-715A>G (NM_001371450.1); c.-1033A>G (NM_001371451.1); c.-1191A>G (NM_001371454.1); c.-1232A>G (NM_001374085.1); and 13 more.
Identifiers: ClinVar variation 136506 (VCV000136506.1), dbSNP rs587780860, ClinGen allele CA289682.